The following is an entry in ClinVar:

ClinVar aggregate classification (germline): Uncertain significance (1 of 4 stars; one submission).

Submission:

GeneDx
Classification: Uncertain significance. Last evaluated: 2025-11-15. Review status: criteria provided, single submitter. Criteria: GeneDx Variant Classification Process June 2021. Collection method: clinical testing. Allele origin: germline.
Comment: Not observed at significant frequency in large population cohorts (gnomAD); In silico analysis supports that this missense variant has a deleterious effect on protein structure/function; Has not been previously published as pathogenic or benign to our knowledge

NM_002471.4(MYH6):c.3403G>A (p.Glu1135Lys)

Gene: MYH6 (myosin heavy chain 6; minus strand). Cytogenetic location: 14q11.2.
Variant type: single nucleotide variant.
Coding change: c.3403G>A on transcript NM_002471.4 (MANE Select); coding-DNA position 3403, G replaced by A.
Protein change: p.Glu1135Lys; replaces glutamic acid 1135 with lysine.
Molecular consequence: missense variant.
Genome position (GRCh38, 1-based): chr14:23,390,386, C>T on the plus strand (G>A on the coding strand, the complement: MYH6 is on the minus strand). VCF-style: chr14-23390386-C-T. GRCh37 (hg19) VCF-style: chr14-23859595-C-T.
Other names: short protein forms E1135K.
Identifiers: ClinVar variation 3392755 (VCV003392755.2).